The following is an entry in ClinVar:

NM_020911.2(PLXNA4):c.4067C>A (p.Ala1356Asp)

Gene: PLXNA4 (plexin A4; minus strand). Cytogenetic location: 7q32.3.
Variant type: single nucleotide variant.
Coding change: c.4067C>A on transcript NM_020911.2 (MANE Select); coding-DNA position 4067, C replaced by A.
Protein change: p.Ala1356Asp; replaces alanine 1356 with aspartic acid.
Molecular consequence: missense variant.
Genome position (GRCh38, 1-based): chr7:132,168,523, G>T on the plus strand (C>A on the coding strand, the complement: PLXNA4 is on the minus strand). VCF-style: chr7-132168523-G-T. GRCh37 (hg19) VCF-style: chr7-131853282-G-T.
Other names: c.4067C>A, p.Ala1356Asp (NM_001393897.1); short protein forms A1356D.
Identifiers: ClinVar variation 2629409 (VCV002629409.2), dbSNP rs376632126, ClinGen allele CA4489280.

ClinVar aggregate classification (germline): Uncertain significance (0 of 4 stars; one submission).

Conditions:
PLXNA4-related disorder. Also called: PLXNA4-related condition.

Allele frequency attached by ClinVar (database versions not stated): gnomAD 0.00001; TOPMed 0.00001; ExAC 0.00002; gnomAD exomes 0.00002; ESP Exome Variant Server 0.00008.
gnomAD v4.1: 23 of 1,610,978 alleles (0.0014%); highest among the groups gnomAD compares: Non-Finnish European, 0.002%; no homozygotes.

Submission:

PreventionGenetics, part of Exact Sciences
Classification: Uncertain significance for PLXNA4-related condition. Last evaluated: 2024-08-20. Review status: no assertion criteria provided. Collection method: clinical testing. Allele origin: germline.
Comment: The PLXNA4 c.4067C>A variant is predicted to result in the amino acid substitution p.Ala1356Asp. To our knowledge, this variant has not been reported in the literature. This variant is reported in 0.00090% of alleles in individuals of European (Non-Finnish) descent in gnomAD. At this time, the clinical significance of this variant is uncertain due to the absence of conclusive functional and genetic evidence.